The following is an entry in ClinVar:

NM_001267550.2(TTN):c.79048A>T (p.Lys26350Ter)

Genes: TTN (titin; minus strand), TTN-AS1 (TTN antisense RNA 1; plus strand). Cytogenetic location: 2q31.2.
Variant type: single nucleotide variant.
Coding change: c.79048A>T on transcript NM_001267550.2 (MANE Select); coding-DNA position 79048, A replaced by T.
Protein change: p.Lys26350Ter; replaces lysine 26350 with a stop codon.
Molecular consequence: nonsense.
Genome position (GRCh38, 1-based): chr2:178,567,084, T>A on the plus strand (A>T on the coding strand, the complement: TTN is on the minus strand). VCF-style: chr2-178567084-T-A. GRCh37 (hg19) VCF-style: chr2-179431811-T-A.
Other names: c.74125A>T, p.Lys24709Ter (NM_001256850.1); c.51853A>T, p.Lys17285Ter (NM_003319.4); c.71344A>T, p.Lys23782Ter (NM_133378.4); c.52228A>T, p.Lys17410Ter (NM_133432.3); c.52429A>T, p.Lys17477Ter (NM_133437.4); short protein forms K26350*, K24709*, K17477*, K17285*, K17410*, K23782*.
Identifiers: ClinVar variation 4786162 (VCV004786162.1).

ClinVar aggregate classification (germline): Likely pathogenic (1 of 4 stars; one submission).

Conditions:
Autosomal recessive limb-girdle muscular dystrophy type 2J (LGMDR10). Also called: Limb-girdle muscular dystrophy, type 2J; MUSCULAR DYSTROPHY, LIMB-GIRDLE, AUTOSOMAL RECESSIVE 10. Identifiers: Orphanet 140922, MedGen C1837342, MONDO:0012127, OMIM 608807.
Dilated cardiomyopathy 1G (CMD1G). Identifiers: Orphanet 154, MedGen C1858763, MONDO:0011400, OMIM 604145.

Submission:

Labcorp Genetics (formerly Invitae), Labcorp
Classification: Likely pathogenic for Dilated cardiomyopathy 1G; Autosomal recessive limb-girdle muscular dystrophy type 2J. Last evaluated: 2025-09-17. Review status: criteria provided, single submitter. Criteria: Invitae Variant Classification Sherloc (09022015). Collection method: clinical testing. Allele origin: germline.
Comment: This sequence change creates a premature translational stop signal (p.Lys26350*) in the TTN gene. While this is not anticipated to result in nonsense mediated decay, it is expected to create a truncated TTN protein. This variant is not present in population databases (gnomAD no frequency). This variant has not been reported in the literature in individuals affected with TTN-related conditions. This variant is located in the A band of TTN (PMID: 25589632). Truncating variants in this region are significantly overrepresented in patients affected with dilated cardiomyopathy (PMID: 25589632). Truncating variants in this region have also been reported in individuals affected with autosomal recessive centronuclear myopathy (PMID: 23975875). In summary, the currently available evidence indicates that the variant is pathogenic, but additional data are needed to prove that conclusively. Therefore, this variant has been classified as Likely Pathogenic.

Literature cited by the submitters: PubMed 25589632; PubMed 23975875.